The following is an entry in ClinVar:

ClinVar aggregate classification (germline): Uncertain significance (1 of 4 stars; one submission).

Submission:

GeneDx
Classification: Uncertain significance. Last evaluated: 2019-09-10. Review status: criteria provided, single submitter. Criteria: GeneDx Variant Classification Process June 2021. Collection method: clinical testing. Allele origin: germline. Affected: yes.
Comment: Not observed in large population cohorts (Lek et al., 2016); Missense variant in a gene in which most reported pathogenic variants are truncating/loss-of-function; Has not been previously published as pathogenic or benign to our knowledge

NM_001267550.2(TTN):c.58813G>C (p.Asp19605His)

Genes: TTN (titin; minus strand), TTN-AS1 (TTN antisense RNA 1; plus strand). Cytogenetic location: 2q31.2.
Variant type: single nucleotide variant.
Coding change: c.58813G>C on transcript NM_001267550.2 (MANE Select); coding-DNA position 58813, G replaced by C.
Protein change: p.Asp19605His; replaces aspartic acid 19605 with histidine.
Molecular consequence: missense variant.
Genome position (GRCh38, 1-based): chr2:178,593,395, C>G on the plus strand (G>C on the coding strand, the complement: TTN is on the minus strand). VCF-style: chr2-178593395-C-G. GRCh37 (hg19) VCF-style: chr2-179458122-C-G.
Other names: c.53890G>C, p.Asp17964His (NM_001256850.1); c.31618G>C, p.Asp10540His (NM_003319.4); c.51109G>C, p.Asp17037His (NM_133378.4); c.31993G>C, p.Asp10665His (NM_133432.3); c.32194G>C, p.Asp10732His (NM_133437.4); short protein forms D10540H, D10665H, D10732H, D17037H, D17964H, D19605H.
Identifiers: ClinVar variation 1312180 (VCV001312180.2), dbSNP rs374833667, ClinGen allele CA349501779.
Genomic context (GRCh38, chr2:178,593,395, plus strand): 5'-ATCGTTTAGACATAGTTTCTCTCTTTTCCAGGATGTAGTTTGTGATGGGTTTTCCTCCAT[C>G]ATGTGGCTTATTCCAGGTTACTAATGCAGAGTCTTTGGTAACTTCTGTAACAATTGGCTG-3'
Protein context (NP_001254479.2, residues 19595-19615): SALVTWNKPH[Asp19605His]GGKPITNYIL